The following is an entry in ClinVar:

ClinVar aggregate classification (germline): Uncertain significance. Review status: criteria provided, multiple submitters, no conflicts (2 of 4 stars). 3 submissions from 3 submitters: Uncertain significance (3). Last evaluated 2025-05-30.

Conditions:
Progressive external ophthalmoplegia with mitochondrial DNA deletions, autosomal dominant 4. Also called: PROGRESSIVE EXTERNAL OPHTHALMOPLEGIA, AUTOSOMAL DOMINANT 4. Identifiers: MedGen C1864668, MONDO:0012415, OMIM 610131.

Submissions (3):

Labcorp Genetics (formerly Invitae), Labcorp
Classification: Uncertain significance. Last evaluated: 2025-05-30. Review status: criteria provided, single submitter. Criteria: Invitae Variant Classification Sherloc (09022015). Collection method: clinical testing. Allele origin: germline.
Comment: This sequence change replaces serine, which is neutral and polar, with leucine, which is neutral and non-polar, at codon 248 of the POLG2 protein (p.Ser248Leu). This variant is not present in population databases (gnomAD no frequency). This variant has not been reported in the literature in individuals affected with POLG2-related conditions. ClinVar contains an entry for this variant (Variation ID: 1027735). An algorithm developed to predict the effect of missense changes on protein structure and function (PolyPhen-2) suggests that this variant is likely to be tolerated. In summary, the available evidence is currently insufficient to determine the role of this variant in disease. Therefore, it has been classified as a Variant of Uncertain Significance.

Ambry Genetics
Classification: Uncertain significance. Last evaluated: 2021-06-22. Review status: criteria provided, single submitter. Criteria: Ambry Variant Classification Scheme 2023. Collection method: clinical testing. Allele origin: germline.

Baylor Genetics
Classification: Uncertain significance for Progressive external ophthalmoplegia with mitochondrial DNA deletions, autosomal dominant 4. Last evaluated: 2019-02-26. Review status: criteria provided, single submitter. Criteria: ACMG Guidelines, 2015. Collection method: clinical testing. Allele origin: paternal. Affected: yes.
Comment: This variant was determined to be of uncertain significance according to ACMG Guidelines, 2015 [PMID:25741868].

NM_007215.4(POLG2):c.743C>T (p.Ser248Leu)

Genes: POLG2 (DNA polymerase gamma 2, accessory subunit; minus strand), MILR1 (mast cell immunoglobulin like receptor 1; plus strand). Cytogenetic location: 17q23.3.
Variant type: single nucleotide variant.
Coding change: c.743C>T on transcript NM_007215.4 (MANE Select); coding-DNA position 743, C replaced by T.
Protein change: p.Ser248Leu; replaces serine 248 with leucine.
Molecular consequence: missense variant.
Genome position (GRCh38, 1-based): chr17:64,492,719, G>A on the plus strand (C>T on the coding strand, the complement: POLG2 is on the minus strand). VCF-style: chr17-64492719-G-A. GRCh37 (hg19) VCF-style: chr17-62488836-G-A.
Other names: short protein forms S248L.
Identifiers: ClinVar variation 1027735 (VCV001027735.9), dbSNP rs1316363979, ClinGen allele CA400639043.